The following is an entry in ClinVar:

ClinVar aggregate classification (germline): Likely pathogenic (1 of 4 stars; one submission).

Submission:

GeneDx
Classification: Likely pathogenic. Last evaluated: 2015-08-10. Review status: criteria provided, single submitter. Criteria: GeneDx Variant Classification (06012015). Collection method: clinical testing. Allele origin: germline. Affected: yes.
Comment: The D1217N variant in the EP300 gene has not been published as a pathogenic variant, nor has it been reported as a benign polymorphism to our knowledge. This variant was not observed in approximately 6500 individuals of European and African American ancestry in the NHLBI Exome Sequencing Project, indicating it is not a common benign variant in these populations. The D1217N variant is a semi-conservative amino acid substitution, which may impact secondary protein structure as these residues differ in some properties. This substitution occurs at a position that is conserved across species. In silico analysis predicts this variant is probably damaging to the protein structure/function. The D1217N variant is a strong candidate for a disease-causing variant however, the possibility it may be a rare benign variant cannot be excluded.

NM_001429.4(EP300):c.3649G>A (p.Asp1217Asn)

Gene: EP300 (E1A binding protein p300; plus strand). Cytogenetic location: 22q13.2.
Variant type: single nucleotide variant.
Coding change: c.3649G>A on transcript NM_001429.4 (MANE Select); coding-DNA position 3649, G replaced by A.
Protein change: p.Asp1217Asn; replaces aspartic acid 1217 with asparagine.
Molecular consequence: missense variant.
Genome position (GRCh38, 1-based): chr22:41,160,700, G>A. VCF-style: chr22-41160700-G-A. GRCh37 (hg19) VCF-style: chr22-41556704-G-A.
Other names: c.3571G>A, p.Asp1191Asn (NM_001362843.2); short protein forms D1217N, D1191N.
Identifiers: ClinVar variation 427031 (VCV000427031.2), dbSNP rs1085307911, ClinGen allele CA411696538.